The following is an entry in ClinVar:

NM_001868.4(CPA1):c.713A>C (p.Lys238Thr)

Gene: CPA1 (carboxypeptidase A1; plus strand). Cytogenetic location: 7q32.2.
Variant type: single nucleotide variant.
Coding change: c.713A>C on transcript NM_001868.4 (MANE Select); coding-DNA position 713, A replaced by C.
Protein change: p.Lys238Thr; replaces lysine 238 with threonine.
Molecular consequence: missense variant.
Genome position (GRCh38, 1-based): chr7:130,384,552, A>C. VCF-style: chr7-130384552-A-C. GRCh37 (hg19) VCF-style: chr7-130024393-A-C.
Other names: short protein forms K238T.
Identifiers: ClinVar variation 968682 (VCV000968682.10), dbSNP rs1554411722, ClinGen allele CA369282917.

ClinVar aggregate classification (germline): Uncertain significance (1 of 4 stars; one submission).

Submission:

Labcorp Genetics (formerly Invitae), Labcorp
Classification: Uncertain significance. Last evaluated: 2022-07-25. Review status: criteria provided, single submitter. Criteria: Invitae Variant Classification Sherloc (09022015). Collection method: clinical testing. Allele origin: germline.
Comment: In summary, the available evidence is currently insufficient to determine the role of this variant in disease. Therefore, it has been classified as a Variant of Uncertain Significance. Algorithms developed to predict the effect of missense changes on protein structure and function (SIFT, PolyPhen-2, Align-GVGD) all suggest that this variant is likely to be disruptive. ClinVar contains an entry for this variant (Variation ID: 968682). This variant has not been reported in the literature in individuals affected with CPA1-related conditions. This variant is not present in population databases (gnomAD no frequency). This sequence change replaces lysine, which is basic and polar, with threonine, which is neutral and polar, at codon 238 of the CPA1 protein (p.Lys238Thr).